The following is an entry in ClinVar:

ClinVar aggregate classification (germline): Uncertain significance (1 of 4 stars; one submission).

Submission:

GeneDx
Classification: Uncertain significance. Last evaluated: 2022-09-06. Review status: criteria provided, single submitter. Criteria: GeneDx Variant Classification Process June 2021. Collection method: clinical testing. Allele origin: germline. Affected: yes.
Comment: Not observed at significant frequency in large population cohorts (gnomAD); In silico analysis supports that this missense variant has a deleterious effect on protein structure/function; Has not been previously published as pathogenic or benign to our knowledge

NM_012154.5(AGO2):c.1301T>G (p.Val434Gly)

Gene: AGO2 (argonaute RISC catalytic component 2; minus strand). Cytogenetic location: 8q24.3.
Variant type: single nucleotide variant.
Coding change: c.1301T>G on transcript NM_012154.5 (MANE Select); coding-DNA position 1301, T replaced by G.
Protein change: p.Val434Gly; replaces valine 434 with glycine.
Molecular consequence: missense variant.
Genome position (GRCh38, 1-based): chr8:140,551,405, A>C on the plus strand (T>G on the coding strand, the complement: AGO2 is on the minus strand). VCF-style: chr8-140551405-A-C. GRCh37 (hg19) VCF-style: chr8-141561504-A-C.
Other names: c.1301T>G, p.Val434Gly (NM_001164623.3); short protein forms V434G.
Identifiers: ClinVar variation 2443507 (VCV002443507.1), dbSNP rs2540713673, ClinGen allele CA372320492.